The following is an entry in ClinVar:

ClinVar aggregate classification (germline): Uncertain significance. Review status: criteria provided, single submitter (1 of 4 stars). 2 submissions from 2 submitters: Uncertain significance (1). 1 of the submissions does not count toward it. Last evaluated 2024-02-27.

Conditions:
COL2A1-related disorder. Also called: COL2A1-related condition; COL2A1-related disorders.

Submissions (2):

Blueprint Genetics
Classification: Uncertain significance. Last evaluated: 2024-02-27. Review status: criteria provided, single submitter. Criteria: ACMG Guidelines, 2015. Collection method: clinical testing. Allele origin: germline.

PreventionGenetics, part of Exact Sciences
Classification: Uncertain significance for COL2A1-related condition. Last evaluated: 2024-08-14. Review status: no assertion criteria provided. Collection method: clinical testing. Allele origin: germline. Not counted in ClinVar's aggregate classification.
Comment: The COL2A1 c.2711G>C variant is predicted to result in the amino acid substitution p.Arg904Pro. To our knowledge, this variant has not been reported in the literature or in a large population database, indicating this variant is rare. A different variant affecting the same amino acid (Arg904Cys) has been reported as a recurrent pathogenic variant in individuals with Stickler syndrome (Hoornaert et al. 2010. PubMed ID: 20179744; Čopíková et al. 2020. PubMed ID: 32427345). This variant could be pathogenic. At this time, the clinical significance of this variant is uncertain due to the absence of conclusive functional and genetic evidence.

NM_001844.5(COL2A1):c.2711G>C (p.Arg904Pro)

Gene: COL2A1 (collagen type II alpha 1 chain; minus strand). Cytogenetic location: 12q13.11.
Variant type: single nucleotide variant.
Coding change: c.2711G>C on transcript NM_001844.5 (MANE Select); coding-DNA position 2711, G replaced by C.
Protein change: p.Arg904Pro; replaces arginine 904 with proline.
Molecular consequence: missense variant.
Genome position (GRCh38, 1-based): chr12:47,979,533, C>G on the plus strand (G>C on the coding strand, the complement: COL2A1 is on the minus strand). VCF-style: chr12-47979533-C-G. GRCh37 (hg19) VCF-style: chr12-48373316-C-G.
Other names: c.2504G>C, p.Arg835Pro (NM_033150.3); short protein forms R835P, R904P.
Identifiers: ClinVar variation 3344110 (VCV003344110.2).